The following is an entry in ClinVar:

ClinVar aggregate classification (germline): Pathogenic. Review status: criteria provided, multiple submitters, no conflicts (2 of 4 stars). 3 submissions from 3 submitters: Pathogenic (3). Last evaluated 2024-11-14.

Conditions:
Neutropenia, severe congenital, 1, autosomal dominant. Identifiers: MedGen C1859966, MONDO:0042490, OMIM 202700.
Cyclical neutropenia. Also called: Cyclic Neutropenia; Cyclic hematopoiesis. Identifiers: Orphanet 2686, MedGen C0221023, MONDO:0008090, OMIM 162800, HP:0040289. Disease mechanism: loss of function.

Submissions (3):

Institute of Medical Genetics and Applied Genomics, University Hospital Tübingen
Classification: Pathogenic for Neutropenia, severe congenital, 1, autosomal dominant. Last evaluated: 2024-11-14. Review status: criteria provided, single submitter. Criteria: ACMG Guidelines, 2015. Collection method: clinical testing. Allele origin: germline. Inheritance: Autosomal dominant inheritance. Affected: yes.

Labcorp Genetics (formerly Invitae), Labcorp
Classification: Pathogenic for Neutropenia, severe congenital, 1, autosomal dominant; Cyclical neutropenia. Last evaluated: 2023-02-11. Review status: criteria provided, single submitter. Criteria: Invitae Variant Classification Sherloc (09022015). Collection method: clinical testing. Allele origin: germline.
Comment: For these reasons, this variant has been classified as Pathogenic. This variant disrupts the p.Gly203 amino acid residue in ELANE. Other variant(s) that disrupt this residue have been observed in individuals with ELANE-related conditions (PMID: 18611981, 19036076), which suggests that this may be a clinically significant amino acid residue. Experimental studies have shown that this missense change affects ELANE function (PMID: 30635825). Advanced modeling of protein sequence and biophysical properties (such as structural, functional, and spatial information, amino acid conservation, physicochemical variation, residue mobility, and thermodynamic stability) performed at Invitae indicates that this missense variant is expected to disrupt ELANE protein function. ClinVar contains an entry for this variant (Variation ID: 939547). This variant is also known as c.4891G>C (p.Gly174Arg). This missense change has been observed in individual(s) with severe congenital neutropenia (PMID: 19036076, 22148006, 30273710, 30635825). In at least one individual the variant was observed to be de novo. This variant is not present in population databases (gnomAD no frequency). This sequence change replaces glycine, which is neutral and non-polar, with arginine, which is basic and polar, at codon 203 of the ELANE protein (p.Gly203Arg).

Genomics Facility, Ludwig-Maximilians-Universität München
Classification: Pathogenic for Neutropenia, severe congenital, 1, autosomal dominant. Last evaluated: 2021-12-28. Review status: criteria provided, single submitter. Criteria: ACMG Guidelines, 2015. Collection method: clinical testing. Allele origin: unknown. Inheritance: Autosomal dominant inheritance. Affected: yes.

Literature cited by the submitters: PubMed 18611981 (cited by Labcorp Genetics (formerly Invitae), Labcorp); PubMed 19036076 (cited by Labcorp Genetics (formerly Invitae), Labcorp); PubMed 30635825 (cited by Labcorp Genetics (formerly Invitae), Labcorp); PubMed 22148006 (cited by Labcorp Genetics (formerly Invitae), Labcorp); PubMed 30273710 (cited by Labcorp Genetics (formerly Invitae), Labcorp); PubMed 23463630 (cited by Genomics Facility, Ludwig-Maximilians-Universität München).

NM_001972.4(ELANE):c.607G>C (p.Gly203Arg)

Genes: CFD (complement factor D; plus strand), ELANE (elastase, neutrophil expressed; plus strand). Cytogenetic location: 19p13.3.
Variant type: single nucleotide variant.
Coding change: c.607G>C on transcript NM_001972.4 (MANE Select); coding-DNA position 607, G replaced by C.
Protein change: p.Gly203Arg; replaces glycine 203 with arginine.
Molecular consequence: missense variant.
Genome position (GRCh38, 1-based): chr19:855,967, G>C. VCF-style: chr19-855967-G-C. GRCh37 (hg19) VCF-style: chr19-855967-G-C.
Other names: short protein forms G203R.
Identifiers: ClinVar variation 939547 (VCV000939547.15), dbSNP rs201139487, ClinGen allele CA402918877.